The following is an entry in ClinVar:

ClinVar aggregate classification (germline): Benign/Likely benign. Review status: criteria provided, multiple submitters, no conflicts (2 of 4 stars). 7 submissions from 7 submitters: Benign (2); Likely benign (5). Last evaluated 2026-05-07.

Conditions:
LMF1-related disorder. Also called: LMF1-related condition.
Cardiovascular phenotype. Identifiers: MedGen CN230736.
Lipase deficiency, combined. Also called: LIPOPROTEIN LIPASE DEFICIENCY WITH HEPATIC TRIGLYCERIDE LIPASE DEFICIENCY; LPL AND HL DEFICIENCY; LPL AND HTGL DEFICIENCY. Identifiers: Orphanet 535453, MedGen C1855498, MONDO:0009527, OMIM 246650.

Allele frequency attached by ClinVar (database versions not stated): gnomAD exomes 0.00013 and 0.00030; ExAC 0.00081; 1000 Genomes Project 0.00140; 1000 Genomes Project 30x 0.00141; gnomAD 0.00177 and 0.00194; TOPMed 0.00199; ESP Exome Variant Server 0.00276.
gnomAD v4.1: 466 of 1,573,576 alleles (0.03%); highest among the groups gnomAD compares: African/African-American, 0.59%; no homozygotes.

Submissions (7):

PreventionGenetics, part of Exact Sciences
Classification: Likely benign for LMF1-related condition. Last evaluated: 2026-05-07. Review status: criteria provided, single submitter. Criteria: ACMG Guidelines, 2015. Collection method: clinical testing. Allele origin: germline.
Comment: This variant is classified as likely benign based on ACMG/AMP sequence variant interpretation guidelines (Richards et al. 2015 PMID: 25741868, with internal and published modifications).

Labcorp Genetics (formerly Invitae), Labcorp
Classification: Benign. Last evaluated: 2026-01-13. Review status: criteria provided, single submitter. Criteria: Invitae Variant Classification Sherloc (09022015). Collection method: clinical testing. Allele origin: germline.

Blueprint Genetics
Classification: Likely benign. Last evaluated: 2024-05-14. Review status: criteria provided, single submitter. Criteria: ACMG Guidelines, 2015. Collection method: clinical testing. Allele origin: germline.

CeGaT Center for Human Genetics Tuebingen
Classification: Likely benign. Last evaluated: 2023-11-01. Review status: criteria provided, single submitter. Criteria: CeGaT Center For Human Genetics Tuebingen Variant Classification Criteria Version 2. Collection method: clinical testing. Allele origin: germline. Affected: yes. Observed: 1 variant allele.
Comment: LMF1: BP4

Fulgent Genetics
Classification: Likely benign for Lipase deficiency, combined. Last evaluated: 2021-07-27. Review status: criteria provided, single submitter. Criteria: ACMG Guidelines, 2015. Collection method: clinical testing. Allele origin: unknown.

Ambry Genetics
Classification: Likely benign for Cardiovascular phenotype. Last evaluated: 2019-10-07. Review status: criteria provided, single submitter. Criteria: Ambry Variant Classification Scheme 2023. Collection method: clinical testing. Allele origin: germline.

Breakthrough Genomics
Classification: Benign. Review status: criteria provided, single submitter. Criteria: ACMG Guidelines, 2015. Collection method: not provided. Allele origin: germline. Inheritance: Autosomal recessive inheritance. Affected: yes.

NM_022773.4(LMF1):c.95C>T (p.Ala32Val)

Genes: LMF1 (lipase maturation factor 1; minus strand), LOC130058141 (ATAC-STARR-seq lymphoblastoid silent region 6962; plus strand). Cytogenetic location: 16p13.3.
Variant type: single nucleotide variant.
Coding change: c.95C>T on transcript NM_022773.4 (MANE Select); coding-DNA position 95, C replaced by T.
Protein change: p.Ala32Val; replaces alanine 32 with valine.
Molecular consequence: missense variant. On other transcripts: 5 prime UTR variant (1), non-coding transcript variant (1), intron variant (3).
Genome position (GRCh38, 1-based): chr16:970,886, G>A on the plus strand (C>T on the coding strand, the complement: LMF1 is on the minus strand). VCF-style: chr16-970886-G-A. GRCh37 (hg19) VCF-style: chr16-1020886-G-A.
Other names: c.95C>T, p.Ala32Val (NM_001352020.1); c.-611C>T (NM_001352021.2); c.-135+10259C>T (NM_001352019.2); c.-611+10259C>T (NM_001352017.2); c.-362+10259C>T (NM_001352018.2); short protein forms A32V.
Identifiers: ClinVar variation 790161 (VCV000790161.39), dbSNP rs199831082, ClinGen allele CA7797785.